The following is an entry in ClinVar:

ClinVar aggregate classification (germline): Conflicting classifications of pathogenicity. Review status: criteria provided, conflicting classifications (1 of 4 stars). 3 submissions from 3 submitters: Uncertain significance (2); Likely benign (1). Last evaluated 2023-03-23.

Conditions:
Hereditary cancer-predisposing syndrome. Also called: Hereditary neoplastic syndrome; Tumor predisposition; Neoplastic Syndromes, Hereditary; Hereditary Cancer Syndrome. Identifiers: Orphanet 140162, MedGen C0027672, MeSH D009386, MONDO:0015356.
Hereditary breast ovarian cancer syndrome. Also called: Hereditary breast and ovarian cancer; Hereditary breast and/or ovarian cancer syndrome; Breast and ovarian cancer; BRCA1- and BRCA2-Associated Hereditary Breast and Ovarian Cancer; Hereditary breast and ovarian cancer syndrome; Hereditary breast and ovarian cancer syndrome (HBOC). Identifiers: Orphanet 145, MedGen C0677776, MeSH D061325, MONDO:0003582. Disease mechanism: loss of function.

Submissions (3):

University of Washington Department of Laboratory Medicine, University of Washington
Classification: Likely benign for Hereditary cancer-predisposing syndrome. Last evaluated: 2023-03-23. Review status: criteria provided, single submitter. Criteria: Dines et al. (Genet Med. 2020). Collection method: curation. Allele origin: germline.
Comment: Missense variant in a coldspot region where missense variants are very unlikely to be pathogenic (PMID:31911673).

BRCA1 coldspot (exon 11 using historical exon numbering). Reclassification based on statistical prior probability

Ambry Genetics
Classification: Uncertain significance for Hereditary cancer-predisposing syndrome. Last evaluated: 2022-09-16. Review status: criteria provided, single submitter. Criteria: Ambry Variant Classification Scheme 2023. Collection method: clinical testing. Allele origin: germline.
Comment: The p.S763Y variant (also known as c.2288C>A), located in coding exon 9 of the BRCA1 gene, results from a C to A substitution at nucleotide position 2288. The serine at codon 763 is replaced by tyrosine, an amino acid with dissimilar properties. This amino acid position is conserved. In addition, the in silico prediction for this alteration is inconclusive. Since supporting evidence is limited at this time, the clinical significance of this alteration remains unclear.

Labcorp Genetics (formerly Invitae), Labcorp
Classification: Uncertain significance for Hereditary breast ovarian cancer syndrome. Last evaluated: 2021-04-09. Review status: criteria provided, single submitter. Criteria: Invitae Variant Classification Sherloc (09022015). Collection method: clinical testing. Allele origin: germline.
Comment: In summary, the available evidence is currently insufficient to determine the role of this variant in disease. Therefore, it has been classified as a Variant of Uncertain Significance. Algorithms developed to predict the effect of missense changes on protein structure and function are either unavailable or do not agree on the potential impact of this missense change (SIFT: "Deleterious"; PolyPhen-2: "Possibly Damaging"; Align-GVGD: "Class C0"). This variant has not been reported in the literature in individuals with BRCA1-related disease. This variant is not present in population databases (ExAC no frequency). This sequence change replaces serine with tyrosine at codon 763 of the BRCA1 protein (p.Ser763Tyr). The serine residue is moderately conserved and there is a large physicochemical difference between serine and tyrosine.

NM_007294.4(BRCA1):c.2288C>A (p.Ser763Tyr)

Gene: BRCA1 (BRCA1 DNA repair associated; minus strand). Cytogenetic location: 17q21.31.
Variant type: single nucleotide variant.
Coding change: c.2288C>A on transcript NM_007294.4 (MANE Select); coding-DNA position 2288, C replaced by A.
Protein change: p.Ser763Tyr; replaces serine 763 with tyrosine.
Molecular consequence: missense variant. On other transcripts: intron variant (137).
Genome position (GRCh38, 1-based): chr17:43,093,243, G>T on the plus strand (C>A on the coding strand, the complement: BRCA1 is on the minus strand). VCF-style: chr17-43093243-G-T. GRCh37 (hg19) VCF-style: chr17-41245260-G-T.
Other names: c.2084C>A, p.Ser695Tyr (NM_001407874.1, NM_001407875.1); c.2075C>A, p.Ser692Tyr (NM_001407896.1, NM_001407897.1, NM_001407898.1 and 9 more transcripts); c.2024C>A, p.Ser675Tyr (NM_001407926.1, NM_001407927.1, NM_001407928.1 and 9 more transcripts); c.2021C>A, p.Ser674Tyr (NM_001407930.1, NM_001407931.1, NM_001407932.1 and 2 more transcripts); c.2162C>A, p.Ser721Tyr (NM_001407941.1, NM_001407940.1, NM_001407649.1 and 11 more transcripts); c.2147C>A, p.Ser716Tyr (NM_001407942.1, NM_001407944.1, NM_001407695.1 and 29 more transcripts); c.2144C>A, p.Ser715Tyr (NM_001407943.1, NM_001407740.1, NM_001407741.1 and 20 more transcripts); c.2078C>A, p.Ser693Tyr (NM_001407900.1, NM_001407902.1, NM_001407904.1 and 13 more transcripts); and 41 more; short protein forms S716Y, S763Y, S467Y, S652Y, S736Y, S635Y, S636Y, S695Y.
Identifiers: ClinVar variation 656279 (VCV000656279.16), dbSNP rs876660112, ClinGen allele CA10597423.
Genomic context (GRCh38, chr17:43,093,243, plus strand): 5'-ATACTTTCCTGAGTGCCATAATCAGTACCAGGTACCAATGAAATACTGCTACTCTCTACA[G>T]ATCTTTCAGTTTGCAAAACCCTTTCTCCACTTAACATGAGATCTTTGGGGTCTTCAGCAT-3'
Protein context (NP_009225.1, residues 753-773): SGERVLQTER[Ser763Tyr]VESSSISLVP